The following is an entry in ClinVar:

NM_000550.3(TYRP1):c.951_952delinsTC (p.Asn318His)

Genes: LURAP1L-AS1 (LURAP1L antisense RNA 1; minus strand), TYRP1 (tyrosinase related protein 1; plus strand). Cytogenetic location: 9p23.
Variant type: Indel.
Coding change: c.951_952delinsTC on transcript NM_000550.3 (MANE Select); coding-DNA positions 951 to 952, AA replaced by TC.
Protein change: p.Asn318His; replaces asparagine 318 with histidine.
Molecular consequence: missense variant.
Genome position (GRCh38, 1-based): chr9:12,702,308-12,702,309, AA replaced by TC. VCF-style: chr9-12702308-AA-TC. GRCh37 (hg19) VCF-style: chr9-12702308-AA-TC.
Other names: short protein forms N318H.
Identifiers: ClinVar variation 1038810 (VCV001038810.6), dbSNP rs1818183011, ClinGen allele CA1834021695.

ClinVar aggregate classification (germline): Uncertain significance (1 of 4 stars; one submission).

Submission:

Labcorp Genetics (formerly Invitae), Labcorp
Classification: Uncertain significance. Last evaluated: 2020-10-20. Review status: criteria provided, single submitter. Criteria: Invitae Variant Classification Sherloc (09022015). Collection method: clinical testing. Allele origin: germline.
Comment: In summary, the available evidence is currently insufficient to determine the role of this variant in disease. Therefore, it has been classified as a Variant of Uncertain Significance. Experimental studies and prediction algorithms are not available or were not evaluated, and the functional significance of this variant is currently unknown. This variant has not been reported in the literature in individuals with TYRP1-related conditions. The frequency data for this variant in the population databases is not available, as this variant may be reported as separate entries in the ExAC database. This sequence change replaces asparagine with histidine at codon 318 of the TYRP1 protein (p.Asn318His). The asparagine residue is highly conserved and there is a small physicochemical difference between asparagine and histidine.